The following is an entry in ClinVar:

ClinVar aggregate classification (germline): Benign. Review status: criteria provided, multiple submitters, no conflicts (2 of 4 stars). 3 submissions from 3 submitters: Benign (2). 1 of the submissions does not count toward it. Last evaluated 2022-01-14.

Conditions:
MYL1-related disorder. Also called: MYL1-related condition.
Congenital myopathy with reduced type 2 muscle fibers. Also called: MYOPATHY, CONGENITAL, WITH FAST-TWITCH (TYPE II) FIBER ATROPHY; CONGENITAL MYOPATHY 14. Identifiers: Orphanet 544602, MedGen C5193081, MONDO:0034109, OMIM 618414.

Submissions (3):

Fulgent Genetics
Classification: Benign for Congenital myopathy with reduced type 2 muscle fibers. Last evaluated: 2022-01-14. Review status: criteria provided, single submitter. Criteria: ACMG Guidelines, 2015. Collection method: clinical testing. Allele origin: unknown.

GeneDx
Classification: Benign. Last evaluated: 2021-05-05. Review status: criteria provided, single submitter. Criteria: GeneDx Variant Classification Process June 2021. Collection method: clinical testing. Allele origin: germline. Affected: yes.

PreventionGenetics, part of Exact Sciences
Classification: Benign for MYL1-related condition. Last evaluated: 2019-10-30. Review status: no assertion criteria provided. Collection method: clinical testing. Allele origin: germline. Not counted in ClinVar's aggregate classification.
Comment: This variant is classified as benign based on ACMG/AMP sequence variant interpretation guidelines (Richards et al. 2015 PMID: 25741868, with internal and published modifications).

NM_079420.3(MYL1):c.1dup (p.Met1fs)

Gene: MYL1 (myosin light chain 1; minus strand). Cytogenetic location: 2q34.
Variant type: Duplication.
Coding change: c.1dup on transcript NM_079420.3 (MANE Select); coding-DNA position 1, one base duplicated (A; older notation c.1dupA).
Protein change: p.Met1fs; shifts the reading frame from methionine 1.
Molecular consequence: frameshift variant, initiator codon variant.
Genome position (GRCh38, 1-based): chr2:210,315,042, T duplicated on the plus strand (A on the coding strand, the reverse complement: MYL1 is on the minus strand); the first of 11 consecutive T bases (chr2:210,315,042-210,315,052); duplicating any one gives the same sequence. VCF-style (leftmost placement, unchanged base first): chr2-210315041-A-AT. GRCh37 (hg19) VCF-style: chr2-211179765-A-AT.
Other names: c.1dupA (NM_079420.2); short protein forms M1fs.
Identifiers: ClinVar variation 1247049 (VCV001247049.6), dbSNP rs544557603, ClinGen allele CA2085416.